The following is an entry in ClinVar:

NM_001042492.3(NF1):c.1260+1del

Gene: NF1 (neurofibromin 1; plus strand). Cytogenetic location: 17q11.2.
Variant type: Deletion.
Coding change: c.1260+1del on transcript NM_001042492.3 (MANE Select); the canonical splice donor site of the intron after coding-DNA position 1260, one base deleted (G; older notation c.1260+1delG).
Molecular consequence: splice donor variant.
Genome position (GRCh38, 1-based): chr17:31,201,486, G deleted. VCF-style (leftmost placement, unchanged base first): chr17-31201485-TG-T. GRCh37 (hg19) VCF-style: chr17-29528503-TG-T.
Other names: c.1260+1del (NM_000267.4, NM_001128147.3).
Identifiers: ClinVar variation 1525206 (VCV001525206.6), dbSNP rs2143887087, ClinGen allele CA2573153598.
Genomic context (GRCh38, chr17:31,201,485, plus strand): 5'-GAATTCACCTTCTACATTTCACTATGTGCTGGTAAATTCACTCCATCGAATCATCACCAA[TG>T]TAAGTCCAAAAGGTATTGCTAAATTACTAAAAAAATTTTTTTCTTTCTTTTCTTTGCGTA-3'

ClinVar aggregate classification (germline): Likely pathogenic (1 of 4 stars; one submission).

Conditions:
Neurofibromatosis, type 1 (NF1). Also called: VON RECKLINGHAUSEN DISEASE; Neurofibromatosis, type I; Peripheral type neurofibromatosis; NEUROFIBROMATOSIS, TYPE I, SOMATIC. Identifiers: Orphanet 636, MedGen C0027831, MONDO:0018975, OMIM 162200. Disease mechanism: loss of function.

Submission:

Labcorp Genetics (formerly Invitae), Labcorp
Classification: Likely pathogenic for Neurofibromatosis, type 1. Last evaluated: 2021-06-18. Review status: criteria provided, single submitter. Criteria: Invitae Variant Classification Sherloc (09022015). Collection method: clinical testing. Allele origin: germline.
Comment: In summary, the currently available evidence indicates that the variant is pathogenic, but additional data are needed to prove that conclusively. Therefore, this variant has been classified as Likely Pathogenic. Algorithms developed to predict the effect of sequence changes on RNA splicing suggest that this variant may disrupt the consensus splice site. This variant has not been reported in the literature in individuals affected with NF1-related conditions. This variant is not present in population databases (ExAC no frequency). This sequence change affects a splice site in intron 11 of the NF1 gene. It is expected to disrupt RNA splicing. Variants that disrupt the donor or acceptor splice site typically lead to a loss of protein function (PMID: 16199547), and loss-of-function variants in NF1 are known to be pathogenic (PMID: 10712197, 23913538).

Literature cited by the submitters: PubMed 16199547; PubMed 10712197; PubMed 23913538.